The following is an entry in ClinVar:

ClinVar aggregate classification (germline): Conflicting classifications of pathogenicity. Review status: criteria provided, conflicting classifications (1 of 4 stars). 3 submissions from 3 submitters: Uncertain significance (2); Likely benign (1). Last evaluated 2025-10-13.

Conditions:
Hereditary cancer-predisposing syndrome. Also called: Hereditary neoplastic syndrome; Tumor predisposition; Hereditary Cancer Syndrome; Neoplastic Syndromes, Hereditary. Identifiers: Orphanet 140162, MedGen C0027672, MeSH D009386, MONDO:0015356.
Neuroblastoma, susceptibility to, 3. Also called: ALK-Related Neuroblastic Tumor Susceptibility. Identifiers: Orphanet 635, MedGen C2751681, MONDO:0013083, OMIM 613014.

Allele frequency attached by ClinVar (database versions not stated): TOPMed 0.00001.
gnomAD v4.1: 3 of 1,614,272 alleles (0.00019%); highest among the groups gnomAD compares: Non-Finnish European, 0.00025%; no homozygotes.

Submissions (3):

Labcorp Genetics (formerly Invitae), Labcorp
Classification: Uncertain significance for Neuroblastoma, susceptibility to, 3. Last evaluated: 2025-10-13. Review status: criteria provided, single submitter. Criteria: Invitae Variant Classification Sherloc (09022015). Collection method: clinical testing. Allele origin: germline.
Comment: This sequence change replaces isoleucine, which is neutral and non-polar, with valine, which is neutral and non-polar, at codon 839 of the ALK protein (p.Ile839Val). This variant is not present in population databases (gnomAD no frequency). This variant has not been reported in the literature in individuals affected with ALK-related conditions. ClinVar contains an entry for this variant (Variation ID: 576026). An algorithm developed to predict the effect of missense changes on protein structure and function (PolyPhen-2) suggests that this variant is likely to be disruptive. In summary, the available evidence is currently insufficient to determine the role of this variant in disease. Therefore, it has been classified as a Variant of Uncertain Significance.

Ambry Genetics
Classification: Likely benign for Hereditary cancer-predisposing syndrome. Last evaluated: 2025-03-20. Review status: criteria provided, single submitter. Criteria: Ambry Variant Classification Scheme 2023. Collection method: clinical testing. Allele origin: germline.

GeneDx
Classification: Uncertain significance. Last evaluated: 2024-09-05. Review status: criteria provided, single submitter. Criteria: GeneDx Variant Classification Process June 2021. Collection method: clinical testing. Allele origin: germline. Affected: yes.
Comment: Not observed at significant frequency in large population cohorts (gnomAD); In silico analysis indicates that this missense variant does not alter protein structure/function; Has not been previously published as pathogenic or benign to our knowledge

NM_004304.5(ALK):c.2515A>G (p.Ile839Val)

Gene: ALK (ALK receptor tyrosine kinase; minus strand). Cytogenetic location: 2p23.2.
Variant type: single nucleotide variant.
Coding change: c.2515A>G on transcript NM_004304.5 (MANE Select); coding-DNA position 2515, A replaced by G.
Protein change: p.Ile839Val; replaces isoleucine 839 with valine.
Molecular consequence: missense variant.
Genome position (GRCh38, 1-based): chr2:29,232,421, T>C on the plus strand (A>G on the coding strand, the complement: ALK is on the minus strand). VCF-style: chr2-29232421-T-C. GRCh37 (hg19) VCF-style: chr2-29455287-T-C.
Other names: short protein forms I839V.
Identifiers: ClinVar variation 576026 (VCV000576026.11), dbSNP rs1371180882, ClinGen allele CA346471987.